The following is an entry in ClinVar:

NM_004260.4(RECQL4):c.923C>T (p.Pro308Leu)

Gene: RECQL4 (RecQ like helicase 4; minus strand). Cytogenetic location: 8q24.3.
Variant type: single nucleotide variant.
Coding change: c.923C>T on transcript NM_004260.4 (MANE Select); coding-DNA position 923, C replaced by T.
Protein change: p.Pro308Leu; replaces proline 308 with leucine.
Molecular consequence: missense variant.
Genome position (GRCh38, 1-based): chr8:144,516,196, G>A on the plus strand (C>T on the coding strand, the complement: RECQL4 is on the minus strand). VCF-style: chr8-144516196-G-A. GRCh37 (hg19) VCF-style: chr8-145741580-G-A.
Other names: short protein forms P308L.
Identifiers: ClinVar variation 459528 (VCV000459528.9), dbSNP rs372417964, ClinGen allele CA187688626.

ClinVar aggregate classification (germline): Uncertain significance. Review status: criteria provided, multiple submitters, no conflicts (2 of 4 stars). 2 submissions from 2 submitters: Uncertain significance (2). Last evaluated 2025-01-19.

Conditions:
Inborn genetic diseases. Identifiers: MedGen C0950123, MeSH D030342.
Baller-Gerold syndrome (BGS). Also called: CRANIOSYNOSTOSIS WITH RADIAL DEFECTS. Identifiers: Orphanet 1225, MedGen C0265308, MONDO:0009039, OMIM 218600.

Allele frequency attached by ClinVar (database versions not stated): gnomAD exomes below 0.00001; gnomAD 0.00001; TOPMed 0.00001; ESP Exome Variant Server 0.00016.
gnomAD v4.1: 23 of 1,613,294 alleles (0.0014%); highest among the groups gnomAD compares: Non-Finnish European, 0.0016%; no homozygotes.

Submissions (2):

Ambry Genetics
Classification: Uncertain significance for Inborn genetic diseases. Last evaluated: 2025-01-19. Review status: criteria provided, single submitter. Criteria: Ambry Variant Classification Scheme 2023. Collection method: clinical testing. Allele origin: germline.
Comment: The p.P308L variant (also known as c.923C>T), located in coding exon 5 of the RECQL4 gene, results from a C to T substitution at nucleotide position 923. The proline at codon 308 is replaced by leucine, an amino acid with similar properties. This amino acid position is conserved. In addition, this alteration is predicted to be tolerated by in silico analysis. Based on the available evidence, the clinical significance of this variant remains unclear.

Labcorp Genetics (formerly Invitae), Labcorp
Classification: Uncertain significance for Baller-Gerold syndrome. Last evaluated: 2024-11-03. Review status: criteria provided, single submitter. Criteria: Invitae Variant Classification Sherloc (09022015). Collection method: clinical testing. Allele origin: germline.
Comment: This sequence change replaces proline, which is neutral and non-polar, with leucine, which is neutral and non-polar, at codon 308 of the RECQL4 protein (p.Pro308Leu). This variant is present in population databases (rs372417964, gnomAD 0.0009%). This variant has not been reported in the literature in individuals affected with RECQL4-related conditions. ClinVar contains an entry for this variant (Variation ID: 459528). Invitae Evidence Modeling of protein sequence and biophysical properties (such as structural, functional, and spatial information, amino acid conservation, physicochemical variation, residue mobility, and thermodynamic stability) indicates that this missense variant is not expected to disrupt RECQL4 protein function with a negative predictive value of 80%. In summary, the available evidence is currently insufficient to determine the role of this variant in disease. Therefore, it has been classified as a Variant of Uncertain Significance.